The following is an entry in ClinVar:

ClinVar aggregate classification (germline): Uncertain significance (1 of 4 stars; one submission).

Submission:

GeneDx
Classification: Uncertain significance. Last evaluated: 2026-06-10. Review status: criteria provided, single submitter. Criteria: GeneDx Variant Classification Process June 2021. Collection method: clinical testing. Allele origin: germline.
Comment: Not observed at significant frequency in large population cohorts (gnomAD); In silico analysis supports that this missense variant has a deleterious effect on protein structure/function; In silico analysis supports a deleterious effect on splicing; Has not been previously published as pathogenic or benign to our knowledge

NM_004789.4(LHX2):c.323G>A (p.Arg108Lys)

Gene: LHX2 (LIM homeobox 2; plus strand). Cytogenetic location: 9q33.3.
Variant type: single nucleotide variant.
Coding change: c.323G>A on transcript NM_004789.4 (MANE Select); coding-DNA position 323, G replaced by A.
Protein change: p.Arg108Lys; replaces arginine 108 with lysine.
Molecular consequence: missense variant.
Genome position (GRCh38, 1-based): chr9:124,014,163, G>A. VCF-style: chr9-124014163-G-A. GRCh37 (hg19) VCF-style: chr9-126776442-G-A.
Other names: short protein forms R108K.
Identifiers: ClinVar variation 3899142 (VCV003899142.2).